The following is an entry in ClinVar:

ClinVar aggregate classification (germline): Uncertain significance (1 of 4 stars; one submission).

Allele frequency attached by ClinVar (database versions not stated): gnomAD 0.00001; TOPMed 0.00002; gnomAD exomes 0.00005; ExAC 0.00006.
gnomAD v4.1: 72 of 1,608,346 alleles (0.0045%); highest among the groups gnomAD compares: Middle Eastern, 0.017%; no homozygotes.

Submission:

Labcorp Genetics (formerly Invitae), Labcorp
Classification: Uncertain significance. Last evaluated: 2025-12-23. Review status: criteria provided, single submitter. Criteria: Invitae Variant Classification Sherloc (09022015). Collection method: clinical testing. Allele origin: germline.
Comment: This sequence change replaces arginine, which is basic and polar, with histidine, which is basic and polar, at codon 442 of the EFL1 protein (p.Arg442His). This variant is present in population databases (rs761597474, gnomAD 0.02%). This variant has not been reported in the literature in individuals affected with EFL1-related conditions. ClinVar contains an entry for this variant (Variation ID: 1439748). Invitae Evidence Modeling of protein sequence and biophysical properties (such as structural, functional, and spatial information, amino acid conservation, physicochemical variation, residue mobility, and thermodynamic stability) indicates that this missense variant is expected to disrupt EFL1 protein function with a positive predictive value of 80%. In summary, the available evidence is currently insufficient to determine the role of this variant in disease. Therefore, it has been classified as a Variant of Uncertain Significance.

NM_024580.6(EFL1):c.1325G>A (p.Arg442His)

Gene: EFL1 (elongation factor like GTPase 1; minus strand). Cytogenetic location: 15q25.2.
Variant type: single nucleotide variant.
Coding change: c.1325G>A on transcript NM_024580.6 (MANE Select); coding-DNA position 1325, G replaced by A.
Protein change: p.Arg442His; replaces arginine 442 with histidine.
Molecular consequence: missense variant. On other transcripts: non-coding transcript variant (1).
Genome position (GRCh38, 1-based): chr15:82,220,197, C>T on the plus strand (G>A on the coding strand, the complement: EFL1 is on the minus strand). VCF-style: chr15-82220197-C-T. GRCh37 (hg19) VCF-style: chr15-82512538-C-T.
Other names: c.1172G>A, p.Arg391His (NM_001040610.3); c.536G>A, p.Arg179His (NM_001322844.2); c.1325G>A, p.Arg442His (NM_001322845.2); short protein forms R391H, R442H, R179H.
Identifiers: ClinVar variation 1439748 (VCV001439748.6), dbSNP rs761597474, ClinGen allele CA7698006.